The following is an entry in ClinVar:

ClinVar aggregate classification (germline): Likely pathogenic. Review status: criteria provided, multiple submitters, no conflicts (2 of 4 stars). 3 submissions from 3 submitters: Likely pathogenic (3). Last evaluated 2023-12-21.

Conditions:
Dilated cardiomyopathy 1G (CMD1G). Identifiers: Orphanet 154, MedGen C1858763, MONDO:0011400, OMIM 604145.
Autosomal recessive limb-girdle muscular dystrophy type 2J (LGMDR10). Also called: Limb-girdle muscular dystrophy, type 2J; MUSCULAR DYSTROPHY, LIMB-GIRDLE, AUTOSOMAL RECESSIVE 10. Identifiers: Orphanet 140922, MedGen C1837342, MONDO:0012127, OMIM 608807.

gnomAD v4.1: 1 of 1,613,182 alleles (0.000062%); highest among the groups gnomAD compares: Non-Finnish European, 0.000085%; no homozygotes.

Submissions (3):

Victorian Clinical Genetics Services, Murdoch Childrens Research Institute
Classification: Likely pathogenic for Dilated cardiomyopathy 1G. Last evaluated: 2023-12-21. Review status: criteria provided, single submitter. Criteria: ACMG Guidelines, 2015. Collection method: clinical testing. Allele origin: germline. Inheritance: Autosomal dominant inheritance.
Comment: Based on the classification scheme VCGS_Germline_v1.3.4, this variant is classified as Likely pathogenic. Following criteria are met: 0102 - Loss of function is known mechanism of disease in this gene. In addition, dominant-negative is also a suggested mechanism (PMID: 25589632). (I) 0108 - This gene is associated with both recessive and dominant disease (OMIM). (I) 0112 - The condition associated with this gene has incomplete penetrance. Variants in this gene that result in a premature termination codon (PTC) are known to have reduced penetrance in DCM (PMID: 25589632). (I) 0201 - Variant is predicted to cause nonsense-mediated decay (NMD) and loss of protein (premature termination codon is located at least 54 nucleotides upstream of the final exon-exon junction). (SP) 0251 - This variant is heterozygous. (I) 0301 - Variant is absent from gnomAD (both v2 and v3). (SP) 0600 - Variant is located in the annotated A-band and the exon has a PSI score of 100% (PMID: 25589632). (I) 0702 - Other NMD-predicted variants comparable to the one identified in this case have strong previous evidence for pathogenicity (ClinVar). (SP) 0803 - This variant has limited previous evidence of pathogenicity in an unrelated individual. This variant has been reported as likely pathogenic by a clinical laboratory in an individual with DCM (ClinVar). (SP) 0903 - This variant has limited evidence for segregation with disease. This variant segregated in two individuals with DCM and was absent in one unaffected individual (ClinVar, VCGS cohort). (SP) 1007 - No published functional evidence has been identified for this variant. (I) 1208 - Inheritance information for this variant is not currently available in this individual. (I) Legend: (SP) - Supporting pathogenic, (I) - Information, (SB) - Supporting benign

Labcorp Genetics (formerly Invitae), Labcorp
Classification: Likely pathogenic for Dilated cardiomyopathy 1G; Autosomal recessive limb-girdle muscular dystrophy type 2J. Last evaluated: 2023-11-13. Review status: criteria provided, single submitter. Criteria: Invitae Variant Classification Sherloc (09022015). Collection method: clinical testing. Allele origin: germline.
Comment: This sequence change creates a premature translational stop signal (p.Trp21415*) in the TTN gene. While this is not anticipated to result in nonsense mediated decay, it is expected to create a truncated TTN protein. This variant is not present in population databases (gnomAD no frequency). This variant has not been reported in the literature in individuals affected with TTN-related conditions. ClinVar contains an entry for this variant (Variation ID: 2429333). This variant is located in the A band of TTN (PMID: 25589632). Truncating variants in this region are significantly overrepresented in patients affected with dilated cardiomyopathy (PMID: 25589632). Truncating variants in this region have also been reported in individuals affected with autosomal recessive centronuclear myopathy (PMID: 23975875). In summary, the currently available evidence indicates that the variant is pathogenic, but additional data are needed to prove that conclusively. Therefore, this variant has been classified as Likely Pathogenic.

Servicio Canario de Salud, Hospital Universitario Nuestra Sra. de Candelaria
Classification: Likely pathogenic for Dilated cardiomyopathy 1G. Last evaluated: 2023-02-03. Review status: criteria provided, single submitter. Criteria: ACMG Guidelines, 2015. Collection method: clinical testing. Allele origin: germline. Inheritance: Autosomal dominant inheritance. Affected: yes. Observed: 1 heterozygote.
Comment: This variant has never been reported in TTN related-disorders. This variant was absent from large population studies (gnomAD no frequency). In summary, the available evidence for c.64245G>A (p.Trp21415Ter) TTN variant meets our criteria to be classified as Likely Pathogenic based upon its absence from controls and the clinical correlation in this patient´s phenotype

Literature cited by the submitters: PubMed 25589632 (cited by Victorian Clinical Genetics Services, Murdoch Childrens Research Institute and Labcorp Genetics (formerly Invitae), Labcorp); PubMed 23975875 (cited by Labcorp Genetics (formerly Invitae), Labcorp).

NM_001267550.2(TTN):c.64245G>A (p.Trp21415Ter)

Genes: TTN-AS1 (TTN antisense RNA 1; plus strand), TTN (titin; minus strand). Cytogenetic location: 2q31.2.
Variant type: single nucleotide variant.
Coding change: c.64245G>A on transcript NM_001267550.2 (MANE Select); coding-DNA position 64245, G replaced by A.
Protein change: p.Trp21415Ter; replaces tryptophan 21415 with a stop codon.
Molecular consequence: nonsense.
Genome position (GRCh38, 1-based): chr2:178,586,656, C>T on the plus strand (G>A on the coding strand, the complement: TTN is on the minus strand). VCF-style: chr2-178586656-C-T. GRCh37 (hg19) VCF-style: chr2-179451383-C-T.
Other names: c.59322G>A, p.Trp19774Ter (NM_001256850.1); c.37050G>A, p.Trp12350Ter (NM_003319.4); c.56541G>A, p.Trp18847Ter (NM_133378.4); c.37425G>A, p.Trp12475Ter (NM_133432.3); c.37626G>A, p.Trp12542Ter (NM_133437.4); short protein forms W12350*, W12475*, W12542*, W18847*, W19774*, W21415*.
Identifiers: ClinVar variation 2429333 (VCV002429333.9), dbSNP rs369299712, ClinGen allele CA349442432.